The following is an entry in ClinVar:

NM_005732.4(RAD50):c.1553T>A (p.Leu518Gln)

Gene: RAD50 (RAD50 double strand break repair protein; plus strand). Cytogenetic location: 5q31.1.
Variant type: single nucleotide variant.
Coding change: c.1553T>A on transcript NM_005732.4 (MANE Select); coding-DNA position 1553, T replaced by A.
Protein change: p.Leu518Gln; replaces leucine 518 with glutamine.
Molecular consequence: missense variant.
Genome position (GRCh38, 1-based): chr5:132,591,324, T>A. VCF-style: chr5-132591324-T-A. GRCh37 (hg19) VCF-style: chr5-131927016-T-A.
Other names: short protein forms L518Q.
Identifiers: ClinVar variation 2860409 (VCV002860409.4), dbSNP rs1060501974, ClinGen allele CA360945872.
Genomic context (GRCh38, chr5:132,591,324, plus strand): 5'-AAACCTTAAAAATGGAAGTAATAAGTCTCCAAAATGAAAAAGCAGACTTAGACAGGACCC[T>A]GCGTAAACTTGACCAGGAGATGGAGCAGTTAAACCATCATACAACAACACGTACCCAAAT-3'
Protein context (NP_005723.2, residues 508-528): QNEKADLDRT[Leu518Gln]RKLDQEMEQL

ClinVar aggregate classification (germline): Uncertain significance. Review status: criteria provided, multiple submitters, no conflicts (2 of 4 stars). 2 submissions from 2 submitters: Uncertain significance (2). Last evaluated 2023-09-04.

Conditions:
Hereditary cancer-predisposing syndrome. Also called: Neoplastic Syndromes, Hereditary; Tumor predisposition; Hereditary neoplastic syndrome; Hereditary Cancer Syndrome. Identifiers: Orphanet 140162, MedGen C0027672, MeSH D009386, MONDO:0015356.

Allele frequency attached by ClinVar (database versions not stated): gnomAD 0.00004.
gnomAD v4.1: 7 of 1,613,736 alleles (0.00043%); highest among the groups gnomAD compares: Non-Finnish European, 0.00059%; no homozygotes.

Submissions (2):

Labcorp Genetics (formerly Invitae), Labcorp
Classification: Uncertain significance for Hereditary cancer-predisposing syndrome. Last evaluated: 2023-09-04. Review status: criteria provided, single submitter. Criteria: Invitae Variant Classification Sherloc (09022015). Collection method: clinical testing. Allele origin: germline.
Comment: In summary, the available evidence is currently insufficient to determine the role of this variant in disease. Therefore, it has been classified as a Variant of Uncertain Significance. Advanced modeling of protein sequence and biophysical properties (such as structural, functional, and spatial information, amino acid conservation, physicochemical variation, residue mobility, and thermodynamic stability) performed at Invitae indicates that this missense variant is not expected to disrupt RAD50 protein function. This variant has not been reported in the literature in individuals affected with RAD50-related conditions. This variant is present in population databases (no rsID available, gnomAD 0.05%). This sequence change replaces leucine, which is neutral and non-polar, with glutamine, which is neutral and polar, at codon 518 of the RAD50 protein (p.Leu518Gln).

Blueprint Genetics
Classification: Uncertain significance. Last evaluated: 2021-09-28. Review status: criteria provided, single submitter. Criteria: ACMG Guidelines, 2015. Collection method: clinical testing. Allele origin: germline.